The following is an entry in ClinVar:

NM_178857.6(RP1L1):c.328C>A (p.Pro110Thr)

Gene: RP1L1 (RP1 like 1). Cytogenetic location: 8p23.1.
Variant type: single nucleotide variant.
Coding change: c.328C>A on transcript NM_178857.6 (MANE Select); coding-DNA position 328, C replaced by A.
Protein change: p.Pro110Thr; replaces proline 110 with threonine.
Molecular consequence: missense variant.
Genome position (GRCh38, 1-based): chr8:10,622,874, G>T on the plus strand (C>A on the coding strand, the complement: RP1L1 is on the minus strand). VCF-style: chr8-10622874-G-T. GRCh37 (hg19) VCF-style: chr8-10480384-G-T.
Other names: short protein forms P110T.
Identifiers: ClinVar variation 4156266 (VCV004156266.2).

ClinVar aggregate classification (germline): Uncertain significance. Review status: criteria provided, multiple submitters, no conflicts (2 of 4 stars). 2 submissions from 2 submitters: Uncertain significance (2). Last evaluated 2025-07-29.

Conditions:
Inborn genetic diseases. Identifiers: MedGen C0950123, MeSH D030342.

Submissions (2):

Labcorp Genetics (formerly Invitae), Labcorp
Classification: Uncertain significance. Last evaluated: 2025-07-29. Review status: criteria provided, single submitter. Criteria: Invitae Variant Classification Sherloc (09022015). Collection method: clinical testing. Allele origin: germline.
Comment: This sequence change replaces proline, which is neutral and non-polar, with threonine, which is neutral and polar, at codon 110 of the RP1L1 protein (p.Pro110Thr). This variant is present in population databases (no rsID available, gnomAD 0.003%). This variant has not been reported in the literature in individuals affected with RP1L1-related conditions. Invitae Evidence Modeling of protein sequence and biophysical properties (such as structural, functional, and spatial information, amino acid conservation, physicochemical variation, residue mobility, and thermodynamic stability) indicates that this missense variant is not expected to disrupt RP1L1 protein function with a negative predictive value of 80%. In summary, the available evidence is currently insufficient to determine the role of this variant in disease. Therefore, it has been classified as a Variant of Uncertain Significance.

Ambry Genetics
Classification: Uncertain significance for Inborn genetic diseases. Last evaluated: 2025-06-18. Review status: criteria provided, single submitter. Criteria: Ambry Variant Classification Scheme 2023. Collection method: clinical testing. Allele origin: germline.